The following is an entry in ClinVar:

NM_153704.6(TMEM67):c.1774-45A>C

Gene: TMEM67 (transmembrane protein 67; plus strand). Cytogenetic location: 8q22.1.
Variant type: single nucleotide variant.
Coding change: c.1774-45A>C on transcript NM_153704.6 (MANE Select); 45 bases into the intron before coding-DNA position 1774, A replaced by C.
Molecular consequence: intron variant.
Genome position (GRCh38, 1-based): chr8:93,795,856, A>C. VCF-style: chr8-93795856-A-C. GRCh37 (hg19) VCF-style: chr8-94808084-A-C.
Other names: c.1531-45A>C (NM_001142301.1).
Identifiers: ClinVar variation 126300 (VCV000126300.10), dbSNP rs73694960, ClinGen allele CA150989.

ClinVar aggregate classification (germline): Likely benign. Review status: criteria provided, multiple submitters, no conflicts (2 of 4 stars). 3 submissions from 3 submitters: Likely benign (2). 1 of the submissions does not count toward it. Last evaluated 2019-08-06.

Allele frequency attached by ClinVar (database versions not stated): gnomAD exomes 0.00100 and 0.00241; ExAC 0.00262; ESP Exome Variant Server 0.00623; gnomAD 0.00727 and 0.00769; TOPMed 0.00864; 1000 Genomes Project 0.00919; 1000 Genomes Project 30x 0.00953.
gnomAD v4.1: 2,437 of 1,416,354 alleles (0.17%); highest among the groups gnomAD compares: African/African-American, 2.2%; 19 homozygotes.

Submissions (3):

GeneDx
Classification: Likely benign. Last evaluated: 2019-08-06. Review status: criteria provided, single submitter. Criteria: GeneDx Variant Classification Process June 2021. Collection method: clinical testing. Allele origin: germline. Affected: yes.

PreventionGenetics, part of Exact Sciences
Classification: Likely benign. Review status: criteria provided, single submitter. Criteria: ACMG Guidelines, 2015. Collection method: clinical testing. Allele origin: germline.

Genetic Services Laboratory, University of Chicago
Classification: Likely benign for AllHighlyPenetrant. Review status: no assertion criteria provided. Collection method: clinical testing. Allele origin: germline. Inheritance: Autosomal recessive inheritance. Observed: 4 variant alleles. Not counted in ClinVar's aggregate classification.
Comment: Likely benign based on allele frequency in 1000 Genomes Project or ESP global frequency and its presence in a patient with a rare or unrelated disease phenotype. NOT Sanger confirmed.